The following is an entry in ClinVar:

NM_000222.3(KIT):c.2146G>T (p.Asp716Tyr)

Gene: KIT (KIT proto-oncogene, receptor tyrosine kinase; plus strand). Cytogenetic location: 4q12.
Variant type: single nucleotide variant.
Coding change: c.2146G>T on transcript NM_000222.3 (MANE Select); coding-DNA position 2146, G replaced by T.
Protein change: p.Asp716Tyr; replaces aspartic acid 716 with tyrosine.
Molecular consequence: missense variant.
Genome position (GRCh38, 1-based): chr4:54,731,332, G>T. VCF-style: chr4-54731332-G-T. GRCh37 (hg19) VCF-style: chr4-55597498-G-T.
Other names: c.2134G>T, p.Asp712Tyr (NM_001093772.2, NM_001385292.1); c.2149G>T, p.Asp717Tyr (NM_001385284.1); c.2143G>T, p.Asp715Tyr (NM_001385285.1); c.2131G>T, p.Asp711Tyr (NM_001385286.1); c.2137G>T, p.Asp713Tyr (NM_001385288.1); c.2146G>T, p.Asp716Tyr (NM_001385290.1); short protein forms D712Y, D716Y, D711Y, D713Y, D715Y, D717Y.
Identifiers: ClinVar variation 660087 (VCV000660087.10), dbSNP rs769701248, ClinGen allele CA356910075.
Genomic context (GRCh38, chr4:54,731,332, plus strand): 5'-AGTGCCCTTCTACATGTCCCACTTGATTCAGTCATGACTTGTTTCATCTCTCCCAGCAGC[G>T]ATAGTACTAATGAGTACATGGACATGAAACCTGGAGTTTCTTATGTTGTCCCAACCAAGG-3'
Protein context (NP_000213.1, residues 706-726): LLHSKESSCS[Asp716Tyr]STNEYMDMKP

ClinVar aggregate classification (germline): Uncertain significance. Review status: criteria provided, multiple submitters, no conflicts (2 of 4 stars). 2 submissions from 2 submitters: Uncertain significance (2). Last evaluated 2025-03-16.

Conditions:
Hereditary cancer-predisposing syndrome. Also called: Neoplastic Syndromes, Hereditary; Tumor predisposition; Hereditary Cancer Syndrome; Hereditary neoplastic syndrome. Identifiers: Orphanet 140162, MedGen C0027672, MeSH D009386, MONDO:0015356.
Gastrointestinal stromal tumor. Also called: Gastrointestinal stromal tumor, somatic; Gastrointestinal stroma tumor. Identifiers: Orphanet 44890, MedGen C0238198, MeSH D046152, MONDO:0011719, OMIM 606764, HP:0100723.

gnomAD v4.1: 1 of 1,611,286 alleles (0.000062%); highest among the groups gnomAD compares: Non-Finnish European, 0.000085%; no homozygotes.

Submissions (2):

Ambry Genetics
Classification: Uncertain significance for Hereditary cancer-predisposing syndrome. Last evaluated: 2025-03-16. Review status: criteria provided, single submitter. Criteria: Ambry Variant Classification Scheme 2023. Collection method: clinical testing. Allele origin: germline.
Comment: The p.D716Y variant (also known as c.2146G>T), located in coding exon 15 of the KIT gene, results from a G to T substitution at nucleotide position 2146. The aspartic acid at codon 716 is replaced by tyrosine, an amino acid with highly dissimilar properties. This amino acid position is conserved. In addition, the in silico prediction for this alteration is inconclusive. Based on the available evidence, the clinical significance of this variant remains unclear.

Labcorp Genetics (formerly Invitae), Labcorp
Classification: Uncertain significance for Gastrointestinal stromal tumor. Last evaluated: 2023-03-04. Review status: criteria provided, single submitter. Criteria: Invitae Variant Classification Sherloc (09022015). Collection method: clinical testing. Allele origin: germline.
Comment: In summary, the available evidence is currently insufficient to determine the role of this variant in disease. Therefore, it has been classified as a Variant of Uncertain Significance. This sequence change replaces aspartic acid, which is acidic and polar, with tyrosine, which is neutral and polar, at codon 716 of the KIT protein (p.Asp716Tyr). This variant is not present in population databases (gnomAD no frequency). This variant has not been reported in the literature in individuals affected with KIT-related conditions. ClinVar contains an entry for this variant (Variation ID: 660087). An algorithm developed to predict the effect of missense changes on protein structure and function (PolyPhen-2) suggests that this variant is likely to be disruptive.